The following is an entry in ClinVar:

ClinVar aggregate classification (germline): Pathogenic. Review status: criteria provided, multiple submitters, no conflicts (2 of 4 stars). 7 submissions from 7 submitters: Pathogenic (6). 1 of the submissions does not count toward it. Last evaluated 2026-07-17.

Conditions:
X-linked agammaglobulinemia (XLA). Also called: Agammaglobulinemia, Bruton tyrosine kinase; Agammaglobulinemia, BTK; BTK-deficiency; Bruton's agammaglobulinemia; AGAMMAGLOBULINEMIA, X-LINKED, TYPE 1; Bruton-type agammaglobulinemia. Identifiers: Orphanet 229717, Orphanet 47, MedGen C0221026, MONDO:0010421, OMIM 300755.
X-linked agammaglobulinemia with growth hormone deficiency (IGHD3). Also called: AGAMMAGLOBULINEMIA AND ISOLATED GROWTH HORMONE DEFICIENCY, X-LINKED; Isolated growth hormone deficiency type 3; Growth hormone deficiency with hypogammaglobulinemia; ISOLATED GROWTH HORMONE DEFICIENCY, TYPE III, WITH AGAMMAGLOBULINEMIA; FLEISHER SYNDROME; HYPOGAMMAGLOBULINEMIA AND ISOLATED GROWTH HORMONE DEFICIENCY, X-LINKED. Identifiers: Orphanet 231692, Orphanet 631, MedGen C0472813, MONDO:0010615, OMIM 307200.
Autosomal recessive agammaglobulinemia 1 (AGM1). Also called: Agammaglobulinemia type 1; AGAMMAGLOBULINEMIA, AUTOSOMAL RECESSIVE, DUE TO IGHM DEFECT. Identifiers: MedGen C3152144, MONDO:0020729, OMIM 601495.

Submissions (7):

Clinical Genetics Laboratory, Skane University Hospital Lund
Classification: Pathogenic for X-linked agammaglobulinemia. Last evaluated: 2026-07-17. Review status: criteria provided, single submitter. Criteria: ACMG Guidelines, 2015. Collection method: clinical testing. Allele origin: germline. Inheritance: X-linked inheritance. Affected: yes.
Comment: The BTK (NM_000061.3) c.863G>A, p.(Arg288Gln) variant represents a nucleotide substitution in exon 10 of 19, resulting in an amino acid substitution which is predicted to be damaging to the protein. This variant has been previously described in the literature (PMID: 11472359, 12217331, 15661032, 9545398), including in functional studies (PMID: 11206059). BTK c.863G>A has not been detected in the general population and is reported as pathogenic in the ClinVar database (Accession: VCV000492813.22). The variant has been classified as pathogenic based on the following ACMG criteria: PS3, PS4, PM2, and PP3.

Labcorp Genetics (formerly Invitae), Labcorp
Classification: Pathogenic for X-linked agammaglobulinemia with growth hormone deficiency. Last evaluated: 2026-01-26. Review status: criteria provided, single submitter. Criteria: Invitae Variant Classification Sherloc (09022015). Collection method: clinical testing. Allele origin: germline.
Comment: This sequence change replaces arginine, which is basic and polar, with glutamine, which is neutral and polar, at codon 288 of the BTK protein (p.Arg288Gln). This variant is not present in population databases (gnomAD no frequency). This missense change has been observed in individuals with X-linked agammaglobulinemia (PMID: 9545398, 11472359, 12217331, 15661032). ClinVar contains an entry for this variant (Variation ID: 492813). Invitae Evidence Modeling of protein sequence and biophysical properties (such as structural, functional, and spatial information, amino acid conservation, physicochemical variation, residue mobility, and thermodynamic stability) indicates that this missense variant is expected to disrupt BTK protein function with a positive predictive value of 95%. Experimental studies have shown that this missense change affects BTK function (PMID: 11206059). For these reasons, this variant has been classified as Pathogenic.

3billion
Classification: Pathogenic for X-linked agammaglobulinemia. Last evaluated: 2024-06-17. Review status: criteria provided, single submitter. Criteria: ACMG Guidelines, 2015. Collection method: clinical testing. Allele origin: germline. Affected: yes.
Comment: The variant is not observed in the gnomAD v4.0.0 dataset. Predicted Consequence/Location: Missense changes are a common disease-causing mechanism. In silico tool predictions suggest damaging effect of the variant on gene or gene product [REVEL: 0.92 (>=0.6, sensitivity 0.68 and specificity 0.92); 3Cnet: 0.86 (>=0.6, sensitivity 0.72 and precision 0.9)]. The same nucleotide change resulting in the same amino acid change has been previously reported as pathogenic/likely pathogenic with strong evidence (ClinVar ID: VCV000492813 /PMID: 9545398).Different missense changes at the same codon (p.Arg288Gly, p.Arg288Trp) have been reported as pathogenic/likely pathogenic with strong evidence (ClinVar ID: VCV000011366 /PMID: 34182127, 8162056). Therefore, this variant is classified as Pathogenic according to the recommendation of ACMG/AMP guideline.

GeneDx
Classification: Pathogenic. Last evaluated: 2023-12-18. Review status: criteria provided, single submitter. Criteria: GeneDx Variant Classification Process June 2021. Collection method: clinical testing. Allele origin: germline. Affected: yes.
Comment: Published functional studies demonstrate a damaging effect by abolishing the SH2 domain's binding affinity to receptor tyrosine kinase (PMID: 11206059); Not observed at significant frequency in large population cohorts (gnomAD); This variant is associated with the following publications: (PMID: 24001798, 14974089, 30273710, 9545398, 12487187, 27091141, 24716070, 26960951, 16297664, 25616435, 29202590, 29424453, 11206059)

Women's Health and Genetics/Laboratory Corporation of America, LabCorp
Classification: Pathogenic for X-linked agammaglobulinemia. Last evaluated: 2019-11-11. Review status: criteria provided, single submitter. Criteria: LabCorp Variant Classification Summary - May 2015. Collection method: clinical testing. Allele origin: germline.
Comment: Variant summary: BTK c.863G>A (p.Arg288Gln) results in a conservative amino acid change located in the SH2 domain (IPR000980) of the encoded protein sequence. Four of five in-silico tools predict a damaging effect of the variant on protein function. The variant was absent in 183437 control chromosomes (gnomAD). c.863G>A has been reported in the literature in multiple individuals affected with X-linked Agammaglobulinemia (e.g. Chen_2016, Conley_1998, Esenboga_2018, Plebani_2002). These data indicate that the variant is very likely to be associated with disease. Experimental evidence evaluating an impact on protein function demonstrate that the variant located in the phosphotyrosine binding site of the BTK SH2 domain results in total loss of the peptide binding affinity (Tzeng_2000). Two ClinVar submitters (evaluation after 2014) cite the variant as pathogenic. Based on the evidence outlined above, the variant was classified as pathogenic.

ARUP Laboratories, Molecular Genetics and Genomics, ARUP Laboratories
Classification: Pathogenic. Last evaluated: 2019-02-05. Review status: criteria provided, single submitter. Criteria: ARUP Molecular Germline Variant Investigation Process. Collection method: clinical testing. Allele origin: germline.
Comment: The BTK c.863G>A; p.Arg288Gln variant (rs1555978277) is reported in the literature in numerous individuals with symptoms or a diagnosis of X-linked agammaglobulinemia (Abbott 2013, Conley 1998, Fiorini 2004, Futatani 2001, Lee 2010, Plebani 2002). This variant is absent from general population databases (Exome Variant Server, Genome Aggregation Database), indicating it is not a common polymorphism, and it is reported as pathogenic by multiple laboratories in ClinVar (Variation ID: 492813). The arginine at codon 288 is highly conserved, and computational analyses (SIFT, PolyPhen-2) predict that this variant is deleterious. Further, this variant occurs in the phosphotyrosine-binding pocket of a functional important SH2 domain and in vitro assays indicate that it disrupts binding to phosphorylated peptides (Tzeng 2000). Another variant at the same codon (p.Arg288Trp) has been reported in individuals with X-linked agammaglobulinemia and is considered pathogenic (Fiorini 2004, Plebani 2002, Tzeng 2000). Based on available information, the p.Arg288Gln variant is considered to be pathogenic. References: Abbott JK et al. Coding-region alterations in BTK do not universally cause X-linked agammaglobulinemia. J Allergy Clin Immunol. 2013 Nov;132(5):1246-8. Conley ME et al. Mutations in btk in patients with presumed X-linked agammaglobulinemia. Am J Hum Genet. 1998 May;62(5):1034-43. Fiorini M et al. BTK: 22 novel and 25 recurrent mutations in European patients with X-linked agammaglobulinemia. Hum Mutat. 2004 Mar;23(3):286. Futatani T et al. Bruton's tyrosine kinase is present in normal platelets and its absence identifies patients with X-linked agammaglobulinaemia and carrier females. Br J Haematol. 2001 Jul;114(1):141-9. Lee PP et al. Clinical characteristics and genotype-phenotype correlation in 62 patients with X-linked agammaglobulinemia. J Clin Immunol. 2010 Jan;30(1):121-31. Plebani A et al. Clinical, immunological, and molecular analysis in a large cohort of patients with X-linked agammaglobulinemia: an Italian multicenter study. Clin Immunol. 2002 Sep;104(3):221-30. Tzeng SR et al. Stability and peptide binding specificity of Btk SH2 domain: molecular basis for X-linked agammaglobulinemia. Protein Sci. 2000 Dec;9(12):2377-85.

Clinical Molecular Genetics Laboratory, Johns Hopkins All Children's Hospital
Classification: Pathogenic for Autosomal agammaglobulinemia. Last evaluated: 2010-03-03. Review status: no assertion criteria provided. Collection method: clinical testing. Allele origin: germline. Affected: yes. Not counted in ClinVar's aggregate classification.

Literature cited by the submitters: PubMed 9545398 (cited by 3 submitters); PubMed 11472359 (cited by Labcorp Genetics (formerly Invitae), Labcorp); PubMed 12217331 (cited by Labcorp Genetics (formerly Invitae), Labcorp and Women's Health and Genetics/Laboratory Corporation of America, LabCorp); PubMed 15661032 (cited by Labcorp Genetics (formerly Invitae), Labcorp); PubMed 11206059 (cited by Labcorp Genetics (formerly Invitae), Labcorp and Women's Health and Genetics/Laboratory Corporation of America, LabCorp); PubMed 34182127 (cited by 3billion); PubMed 27512878 (cited by Women's Health and Genetics/Laboratory Corporation of America, LabCorp); PubMed 29424453 (cited by Women's Health and Genetics/Laboratory Corporation of America, LabCorp).

NM_000061.3(BTK):c.863G>A (p.Arg288Gln)

Gene: BTK (Bruton tyrosine kinase; minus strand). Cytogenetic location: Xq22.1.
Variant type: single nucleotide variant.
Coding change: c.863G>A on transcript NM_000061.3 (MANE Select); coding-DNA position 863, G replaced by A.
Protein change: p.Arg288Gln; replaces arginine 288 with glutamine.
Molecular consequence: missense variant.
Genome position (GRCh38, 1-based): chrX:101,359,324, C>T on the plus strand (G>A on the coding strand, the complement: BTK is on the minus strand). VCF-style: chrX-101359324-C-T. GRCh37 (hg19) VCF-style: chrX-100614312-C-T.
Other names: c.965G>A, p.Arg322Gln (NM_001287344.2); c.863G>A, p.Arg288Gln (NM_001287345.2); short protein forms R288Q, R322Q.
Identifiers: ClinVar variation 492813 (VCV000492813.23), dbSNP rs1555978277, ClinGen allele CA413930070.